The following is an entry in ClinVar:

ClinVar aggregate classification (germline): Uncertain significance. Review status: criteria provided, multiple submitters, no conflicts (2 of 4 stars). 2 submissions from 2 submitters: Uncertain significance (2). Last evaluated 2026-01-13.

Conditions:
Combined oxidative phosphorylation deficiency 44. Also called: FASTKD2-Related Combined Oxidative Phosphorylation Deficiency. Identifiers: MedGen C5394293, MONDO:0030020, OMIM 618855.

Allele frequency attached by ClinVar (database versions not stated): gnomAD exomes 0.00001 and 0.00003; ExAC 0.00005; gnomAD 0.00006; TOPMed 0.00006; ESP Exome Variant Server 0.00015.
gnomAD v4.1: 21 of 1,613,962 alleles (0.0013%); highest among the groups gnomAD compares: African/African-American, 0.024%; no homozygotes.

Submissions (2):

GeneDx
Classification: Uncertain significance. Last evaluated: 2026-01-13. Review status: criteria provided, single submitter. Criteria: GeneDx Variant Classification Process June 2021. Collection method: clinical testing. Allele origin: germline. Affected: yes.
Comment: In silico analysis suggests that this missense variant does not alter protein structure/function; Has not been previously published as pathogenic or benign to our knowledge

Fulgent Genetics
Classification: Uncertain significance for Combined oxidative phosphorylation deficiency 44. Last evaluated: 2022-05-03. Review status: criteria provided, single submitter. Criteria: ACMG Guidelines, 2015. Collection method: clinical testing. Allele origin: unknown.

NM_001136193.2(FASTKD2):c.1219G>A (p.Val407Met)

Gene: FASTKD2 (FAST kinase domains 2; plus strand). Cytogenetic location: 2q33.3.
Variant type: single nucleotide variant.
Coding change: c.1219G>A on transcript NM_001136193.2 (MANE Select); coding-DNA position 1219, G replaced by A.
Protein change: p.Val407Met; replaces valine 407 with methionine.
Molecular consequence: missense variant.
Genome position (GRCh38, 1-based): chr2:206,772,285, G>A. VCF-style: chr2-206772285-G-A. GRCh37 (hg19) VCF-style: chr2-207637009-G-A.
Other names: c.1219G>A, p.Val407Met (NM_001136194.2, NM_014929.4); short protein forms V407M.
Identifiers: ClinVar variation 452779 (VCV000452779.4), dbSNP rs375608544, ClinGen allele CA2075093.